The following is an entry in ClinVar:

NM_002875.5(RAD51):c.904C>A (p.Leu302Met)

Gene: RAD51 (RAD51 recombinase; plus strand). Cytogenetic location: 15q15.1.
Variant type: single nucleotide variant.
Coding change: c.904C>A on transcript NM_002875.5 (MANE Select); coding-DNA position 904, C replaced by A.
Protein change: p.Leu302Met; replaces leucine 302 with methionine.
Molecular consequence: missense variant.
Genome position (GRCh38, 1-based): chr15:40,731,062, C>A. VCF-style: chr15-40731062-C-A. GRCh37 (hg19) VCF-style: chr15-41023260-C-A.
Other names: c.907C>A, p.Leu303Met (NM_001164269.2, NM_133487.4); c.782C>A, p.Ser261Tyr (NM_001164270.2); short protein forms L303M, S261Y, L302M.
Identifiers: ClinVar variation 3312347 (VCV003312347.1).

ClinVar aggregate classification (germline): Uncertain significance (1 of 4 stars; one submission).

Conditions:
Inborn genetic diseases. Identifiers: MedGen C0950123, MeSH D030342.

Submission:

Ambry Genetics
Classification: Uncertain significance for Inborn genetic diseases. Last evaluated: 2024-04-14. Review status: criteria provided, single submitter. Criteria: Ambry Variant Classification Scheme 2023. Collection method: clinical testing. Allele origin: germline.
Comment: The p.L302M variant (also known as c.904C>A), located in coding exon 9 of the RAD51 gene, results from a C to A substitution at nucleotide position 904. The leucine at codon 302 is replaced by methionine, an amino acid with highly similar properties. This amino acid position is conserved. In addition, the in silico prediction for this alteration is inconclusive. Based on the available evidence, the clinical significance of this variant remains unclear.